The following is an entry in ClinVar:

ClinVar aggregate classification (germline): Pathogenic (1 of 4 stars; one submission).

Conditions:
Niemann-Pick disease, type C1. Also called: NEUROVISCERAL STORAGE DISEASE WITH VERTICAL SUPRANUCLEAR OPHTHALMOPLEGIA; NIEMANN-PICK DISEASE WITH CHOLESTEROL ESTERIFICATION BLOCK; NIEMANN-PICK DISEASE WITHOUT SPHINGOMYELINASE DEFICIENCY; NIEMANN-PICK DISEASE, CHRONIC NEURONOPATHIC FORM; NIEMANN-PICK DISEASE, VARIANT TYPE C1. Identifiers: Orphanet 646, MedGen C3179455, MONDO:0009757, OMIM 257220.

Submission:

Labcorp Genetics (formerly Invitae), Labcorp
Classification: Pathogenic for Niemann-Pick disease, type C1. Last evaluated: 2023-08-07. Review status: criteria provided, single submitter. Criteria: Invitae Variant Classification Sherloc (09022015). Collection method: clinical testing. Allele origin: germline.
Comment: This sequence change replaces alanine, which is neutral and non-polar, with glycine, which is neutral and non-polar, at codon 927 of the NPC1 protein (p.Ala927Gly). This variant is not present in population databases (gnomAD no frequency). This missense change has been observed in individual(s) with clinical features of Niemann-Pick disease type C (Invitae). In at least one individual the data is consistent with being in trans (on the opposite chromosome) from a pathogenic variant. Advanced modeling of protein sequence and biophysical properties (such as structural, functional, and spatial information, amino acid conservation, physicochemical variation, residue mobility, and thermodynamic stability) performed at Invitae indicates that this missense variant is expected to disrupt NPC1 protein function. This variant disrupts the p.Ala927 amino acid residue in NPC1. Other variant(s) that disrupt this residue have been determined to be pathogenic (PMID: 11545687, 27366019, 27549128). This suggests that this residue is clinically significant, and that variants that disrupt this residue are likely to be disease-causing. For these reasons, this variant has been classified as Pathogenic.

Literature cited by the submitters: PubMed 11545687; PubMed 27366019; PubMed 27549128.

NM_000271.5(NPC1):c.2780C>G (p.Ala927Gly)

Gene: NPC1 (NPC intracellular cholesterol transporter 1; minus strand). Cytogenetic location: 18q11.2.
Variant type: single nucleotide variant.
Coding change: c.2780C>G on transcript NM_000271.5 (MANE Select); coding-DNA position 2780, C replaced by G.
Protein change: p.Ala927Gly; replaces alanine 927 with glycine.
Molecular consequence: missense variant.
Genome position (GRCh38, 1-based): chr18:23,539,826, G>C on the plus strand (C>G on the coding strand, the complement: NPC1 is on the minus strand). VCF-style: chr18-23539826-G-C. GRCh37 (hg19) VCF-style: chr18-21119790-G-C.
Other names: short protein forms A927G.
Identifiers: ClinVar variation 2855152 (VCV002855152.3), dbSNP rs753768576, ClinGen allele CA401792657.